The following is an entry in ClinVar:

NM_000256.3(MYBPC3):c.3290T>C (p.Leu1097Pro)

Gene: MYBPC3 (myosin binding protein C3; minus strand). Cytogenetic location: 11p11.2.
Variant type: single nucleotide variant.
Coding change: c.3290T>C on transcript NM_000256.3 (MANE Select); coding-DNA position 3290, T replaced by C.
Protein change: p.Leu1097Pro; replaces leucine 1097 with proline.
Molecular consequence: missense variant.
Genome position (GRCh38, 1-based): chr11:47,333,234, A>G on the plus strand (T>C on the coding strand, the complement: MYBPC3 is on the minus strand). VCF-style: chr11-47333234-A-G. GRCh37 (hg19) VCF-style: chr11-47354785-A-G.
Other names: short protein forms L1097P.
Identifiers: ClinVar variation 2448094 (VCV002448094.2), dbSNP rs2495740030, ClinGen allele CA380314138.
Genomic context (GRCh38, chr11:47,333,234, plus strand): 5'-ACCCCAGACCCTGGGCTCACCATGGTCTTCTTGTCGGCTTTCTGCACTGTGTACCCCCAG[A>G]GCTCCGTGTTGCCGACATCCTGGGGTGGCTTCCACTCCAGAGCCACATTAAGACCCCAGG-3'
Protein context (NP_000247.2, residues 1087-1107): KPPQDVGNTE[Leu1097Pro]WGYTVQKADK

ClinVar aggregate classification (germline): Uncertain significance (1 of 4 stars; one submission).

Conditions:
Cardiovascular phenotype. Identifiers: MedGen CN230736.

Submission:

Ambry Genetics
Classification: Uncertain significance for Cardiovascular phenotype. Last evaluated: 2022-11-17. Review status: criteria provided, single submitter. Criteria: Ambry Variant Classification Scheme 2023. Collection method: clinical testing. Allele origin: germline.
Comment: The p.L1097P variant (also known as c.3290T>C), located in coding exon 30 of the MYBPC3 gene, results from a T to C substitution at nucleotide position 3290. The leucine at codon 1097 is replaced by proline, an amino acid with similar properties. This amino acid position is conserved. In addition, the in silico prediction for this alteration is inconclusive. Since supporting evidence is limited at this time, the clinical significance of this alteration remains unclear.